The following is an entry in ClinVar:

ClinVar aggregate classification (germline): Uncertain significance (1 of 4 stars; one submission).

Submission:

Labcorp Genetics (formerly Invitae), Labcorp
Classification: Uncertain significance. Last evaluated: 2022-05-31. Review status: criteria provided, single submitter. Criteria: Invitae Variant Classification Sherloc (09022015). Collection method: clinical testing. Allele origin: germline.
Comment: This sequence change replaces alanine, which is neutral and non-polar, with valine, which is neutral and non-polar, at codon 490 of the DHX38 protein (p.Ala490Val). This variant is not present in population databases (gnomAD no frequency). This variant has not been reported in the literature in individuals affected with DHX38-related conditions. Algorithms developed to predict the effect of missense changes on protein structure and function (SIFT, PolyPhen-2, Align-GVGD) all suggest that this variant is likely to be tolerated. In summary, the available evidence is currently insufficient to determine the role of this variant in disease. Therefore, it has been classified as a Variant of Uncertain Significance.

NM_014003.4(DHX38):c.1469C>T (p.Ala490Val)

Gene: DHX38 (DEAH-box helicase 38; plus strand). Cytogenetic location: 16q22.2.
Variant type: single nucleotide variant.
Coding change: c.1469C>T on transcript NM_014003.4 (MANE Select); coding-DNA position 1469, C replaced by T.
Protein change: p.Ala490Val; replaces alanine 490 with valine.
Molecular consequence: missense variant.
Genome position (GRCh38, 1-based): chr16:72,101,582, C>T. VCF-style: chr16-72101582-C-T. GRCh37 (hg19) VCF-style: chr16-72135481-C-T.
Other names: short protein forms A490V.
Identifiers: ClinVar variation 2001511 (VCV002001511.4), dbSNP rs2507098026, ClinGen allele CA396706958.
Genomic context (GRCh38, chr16:72,101,582, plus strand): 5'-TGGCGGGGACCAAACTGGGAGATATAATGGGCGTCAAGAAGGAGGAAGAGCCAGATAAAG[C>T]TGTGACGGAGGATGGGAAGGTGGACTACAGGTGGGCAGCCTCAGCCAGCAGCACATCAGC-3'
Protein context (NP_054722.2, residues 480-500): GVKKEEEPDK[Ala490Val]VTEDGKVDYR